The following is an entry in ClinVar:

NM_000702.4(ATP1A2):c.259T>G (p.Trp87Gly)

Gene: ATP1A2 (ATPase Na+/K+ transporting subunit alpha 2; plus strand). Cytogenetic location: 1q23.2.
Variant type: single nucleotide variant.
Coding change: c.259T>G on transcript NM_000702.4 (MANE Select); coding-DNA position 259, T replaced by G.
Protein change: p.Trp87Gly; replaces tryptophan 87 with glycine.
Molecular consequence: missense variant.
Genome position (GRCh38, 1-based): chr1:160,123,294, T>G. VCF-style: chr1-160123294-T-G. GRCh37 (hg19) VCF-style: chr1-160093084-T-G.
Other names: short protein forms W87G.
Identifiers: ClinVar variation 4278807 (VCV004278807.1).

ClinVar aggregate classification (germline): Uncertain significance (1 of 4 stars; one submission).

Submission:

GeneDx
Classification: Uncertain significance. Last evaluated: 2025-04-02. Review status: criteria provided, single submitter. Criteria: GeneDx Variant Classification Process June 2021. Collection method: clinical testing. Allele origin: germline. Affected: yes.
Comment: Not observed at significant frequency in large population cohorts (gnomAD); In silico analysis supports that this missense variant has a deleterious effect on protein structure/function; Has not been previously published as pathogenic or benign to our knowledge